The following is an entry in ClinVar:

ClinVar aggregate classification (germline): Uncertain significance. Review status: criteria provided, multiple submitters, no conflicts (2 of 4 stars). 3 submissions from 3 submitters: Uncertain significance (3). Last evaluated 2024-01-08.

Conditions:
Cystic fibrosis (CF). Also called: MUCOVISCIDOSIS. Identifiers: Orphanet 586, MedGen C0010674, MONDO:0009061, OMIM 219700. Disease mechanism: loss of function.

Submissions (3):

Women's Health and Genetics/Laboratory Corporation of America, LabCorp
Classification: Uncertain significance. Last evaluated: 2024-01-08. Review status: criteria provided, single submitter. Criteria: LabCorp Variant Classification Summary - May 2015. Collection method: clinical testing. Allele origin: germline.

Ambry Genetics
Classification: Uncertain significance for Cystic fibrosis. Last evaluated: 2023-04-08. Review status: criteria provided, single submitter. Criteria: Ambry Variant Classification Scheme 2023. Collection method: clinical testing. Allele origin: germline.
Comment: The p.P140A variant (also known as c.418C>G), located in coding exon 4 of the CFTR gene, results from a C to G substitution at nucleotide position 418. The proline at codon 140 is replaced by alanine, an amino acid with highly similar properties. This amino acid position is conserved. In addition, this alteration is predicted to be deleterious by in silico analysis. Since supporting evidence is limited at this time, the clinical significance of this alteration remains unclear.

Labcorp Genetics (formerly Invitae), Labcorp
Classification: Uncertain significance for Cystic fibrosis. Last evaluated: 2023-03-07. Review status: criteria provided, single submitter. Criteria: Invitae Variant Classification Sherloc (09022015). Collection method: clinical testing. Allele origin: germline.
Comment: This variant has not been reported in the literature in individuals affected with CFTR-related conditions. This variant is not present in population databases (gnomAD no frequency). This sequence change replaces proline, which is neutral and non-polar, with alanine, which is neutral and non-polar, at codon 140 of the CFTR protein (p.Pro140Ala). Advanced modeling of protein sequence and biophysical properties (such as structural, functional, and spatial information, amino acid conservation, physicochemical variation, residue mobility, and thermodynamic stability) performed at Invitae indicates that this missense variant is not expected to disrupt CFTR protein function. In summary, the available evidence is currently insufficient to determine the role of this variant in disease. Therefore, it has been classified as a Variant of Uncertain Significance.

NM_000492.4(CFTR):c.418C>G (p.Pro140Ala)

Gene: CFTR (CF transmembrane conductance regulator; plus strand). Cytogenetic location: 7q31.2.
Variant type: single nucleotide variant.
Coding change: c.418C>G on transcript NM_000492.4 (MANE Select); coding-DNA position 418, C replaced by G.
Protein change: p.Pro140Ala; replaces proline 140 with alanine.
Molecular consequence: missense variant.
Genome position (GRCh38, 1-based): chr7:117,531,043, C>G. VCF-style: chr7-117531043-C-G. GRCh37 (hg19) VCF-style: chr7-117171097-C-G.
Other names: short protein forms P140A.
Identifiers: ClinVar variation 2567873 (VCV002567873.6), dbSNP rs145900055, ClinGen allele CA368974752.
Genomic context (GRCh38, chr7:117,531,043, plus strand): 5'-GCGATTTATCTAGGCATAGGCTTATGCCTTCTCTTTATTGTGAGGACACTGCTCCTACAC[C>G]CAGCCATTTTTGGCCTTCATCACATTGGAATGCAGATGAGAATAGCTATGTTTAGTTTGA-3'
Protein context (NP_000483.3, residues 130-150): LFIVRTLLLH[Pro140Ala]AIFGLHHIGM